The following is an entry in ClinVar:

ClinVar aggregate classification (germline): Uncertain significance. Review status: criteria provided, multiple submitters, no conflicts (2 of 4 stars). 2 submissions from 2 submitters: Uncertain significance (2). Last evaluated 2025-11-17.

Conditions:
Polycystic kidney disease 4 (PKD4). Also called: Autosomal Recessive Polycystic Kidney Disease – PKHD1; POLYCYSTIC KIDNEY AND HEPATIC DISEASE 1; POLYCYSTIC KIDNEY DISEASE, INFANTILE, TYPE I; PKD3; POLYCYSTIC KIDNEY DISEASE 4 WITH OR WITHOUT POLYCYSTIC LIVER DISEASE. Identifiers: MedGen C4540575, MONDO:0033004, OMIM 263200.
Autosomal recessive polycystic kidney disease (ARPKD). Also called: AR polycystic kidney disease. Identifiers: Orphanet 731, Orphanet 8378, MedGen C0085548, MeSH D017044, MONDO:0009889.

gnomAD v4.1: 4 of 1,610,366 alleles (0.00025%); highest among the groups gnomAD compares: Non-Finnish European, 0.00034%; no homozygotes.

Submissions (2):

Myriad Genetics, Inc.
Classification: Uncertain significance for Polycystic kidney disease 4. Last evaluated: 2025-11-17. Review status: criteria provided, single submitter. Criteria: Myriad Autosomal Dominant, Autosomal Recessive and X-Linked Classification Criteria (2023). Collection method: clinical testing. Allele origin: unknown.
Comment: NM_138694.3(PKHD1):c.7372G>A(G2458R) is a missense variant classified as a variant of uncertain significance in the context of autosomal recessive polycystic kidney disease, PKHD1-related. G2458R has been observed in a case with relevant disease (PMID: 33940108). Relevant functional assessments of this variant are not available in the literature. G2458R has not been observed in referenced population frequency databases. In summary, there is insufficient evidence to classify NM_138694.3(PKHD1):c.7372G>A(G2458R) as pathogenic or benign. Please note: this variant was assessed in the context of healthy population screening.

Labcorp Genetics (formerly Invitae), Labcorp
Classification: Uncertain significance for Autosomal recessive polycystic kidney disease. Last evaluated: 2025-06-04. Review status: criteria provided, single submitter. Criteria: Invitae Variant Classification Sherloc (09022015). Collection method: clinical testing. Allele origin: germline.
Comment: This sequence change replaces glycine, which is neutral and non-polar, with arginine, which is basic and polar, at codon 2458 of the PKHD1 protein (p.Gly2458Arg). This variant is not present in population databases (gnomAD no frequency). This missense change has been observed in individual(s) with polycystic kidney disease (PMID: 33940108). Invitae Evidence Modeling of protein sequence and biophysical properties (such as structural, functional, and spatial information, amino acid conservation, physicochemical variation, residue mobility, and thermodynamic stability) indicates that this missense variant is expected to disrupt PKHD1 protein function with a positive predictive value of 95%. In summary, the available evidence is currently insufficient to determine the role of this variant in disease. Therefore, it has been classified as a Variant of Uncertain Significance.

Literature cited by the submitters: PubMed 33940108 (cited by Myriad Genetics, Inc. and Labcorp Genetics (formerly Invitae), Labcorp).

NM_138694.4(PKHD1):c.7372G>A (p.Gly2458Arg)

Gene: PKHD1 (PKHD1 ciliary IPT domain containing fibrocystin/polyductin; minus strand). Cytogenetic location: 6p12.2.
Variant type: single nucleotide variant.
Coding change: c.7372G>A on transcript NM_138694.4 (MANE Select); coding-DNA position 7372, G replaced by A.
Protein change: p.Gly2458Arg; replaces glycine 2458 with arginine.
Molecular consequence: missense variant.
Genome position (GRCh38, 1-based): chr6:51,870,618, C>T on the plus strand (G>A on the coding strand, the complement: PKHD1 is on the minus strand). VCF-style: chr6-51870618-C-T. GRCh37 (hg19) VCF-style: chr6-51735416-C-T.
Other names: c.7372G>A, p.Gly2458Arg (NM_170724.3); short protein forms G2458R.
Identifiers: ClinVar variation 4706712 (VCV004706712.2).